The following is an entry in ClinVar:

NC_000007.13:g.(?_158711411)_(158738470_?)dup

Gene: DYNC2I1 (dynein 2 intermediate chain 1; plus strand). Cytogenetic location: 7q36.3.
Variant type: Duplication.
Identifiers: ClinVar variation 2426421 (VCV002426421.4).

ClinVar aggregate classification (germline): Uncertain significance (1 of 4 stars; one submission).

Conditions:
Short-rib thoracic dysplasia 8 with or without polydactyly (SRTD8). Also called: SHORT-RIB THORACIC DYSPLASIA 8 WITH POLYDACTYLY. Identifiers: Orphanet 93271, MedGen C3809691, MONDO:0014214, OMIM 615503.

Submission:

Labcorp Genetics (formerly Invitae), Labcorp
Classification: Uncertain significance for Short-rib thoracic dysplasia 8 with or without polydactyly. Last evaluated: 2022-05-26. Review status: criteria provided, single submitter. Criteria: Invitae Variant Classification Sherloc (09022015). Collection method: clinical testing. Allele origin: germline.
Comment: In summary, the available evidence is currently insufficient to determine the role of this variant in disease. Therefore, it has been classified as a Variant of Uncertain Significance. Experimental studies and prediction algorithms are not available or were not evaluated, and the functional significance of this variant is currently unknown. This variant has not been reported in the literature in individuals affected with WDR60-related conditions. This variant is a gross deletion of the genomic region encompassing exon(s) 15-25 of the WDR60 gene, which includes the termination codon. This deletion extends beyond the assayed region for this gene and therefore may encompass additional genes. While this deletion is not anticipated to lead to nonsense mediated decay, it is expected to alter mRNA translation or result in a truncated protein product.